The following is an entry in ClinVar:

ClinVar aggregate classification (germline): Uncertain significance. Review status: criteria provided, multiple submitters, no conflicts (2 of 4 stars). 3 submissions from 3 submitters: Uncertain significance (3). Last evaluated 2025-07-03.

Conditions:
Cardiomyopathy (CMYO). Also called: Cardiomyopathies. Identifiers: Orphanet 167848, MedGen C0878544, MONDO:0004994, HP:0001638. Inheritance: Various modes of inheritance.
Hypertrophic cardiomyopathy. Also called: HYPERTROPHIC MYOCARDIOPATHY. Identifiers: Orphanet 217569, MedGen C0007194, MeSH D002312, MONDO:0005045, HP:0001639.

Allele frequency attached by ClinVar (database versions not stated): gnomAD exomes below 0.00001.
gnomAD v4.1: 1 of 1,604,410 alleles (0.000062%); no homozygotes.

Submissions (3):

Color Diagnostics, LLC DBA Color Health
Classification: Uncertain significance for Cardiomyopathy. Last evaluated: 2025-07-03. Review status: criteria provided, single submitter. Criteria: ACMG Guidelines, 2015. Collection method: clinical testing. Allele origin: germline.
Comment: This missense variant replaces glycine with arginine at codon 1155 of the MYH7 protein. Computational prediction suggests that this variant may have a deleterious impact on protein structure and function. To our knowledge, functional studies have not been reported for this variant. This variant has not been reported in individuals affected with MYH7-related disorders in the literature. This variant has not been identified in the general population by the Genome Aggregation Database (gnomAD). The available evidence is insufficient to determine the role of this variant in disease conclusively. Therefore, this variant is classified as a Variant of Uncertain Significance.

Labcorp Genetics (formerly Invitae), Labcorp
Classification: Uncertain significance for Hypertrophic cardiomyopathy. Last evaluated: 2025-06-29. Review status: criteria provided, single submitter. Criteria: Invitae Variant Classification Sherloc (09022015). Collection method: clinical testing. Allele origin: germline.
Comment: This sequence change replaces glycine, which is neutral and non-polar, with arginine, which is basic and polar, at codon 1155 of the MYH7 protein (p.Gly1155Arg). This variant is not present in population databases (gnomAD no frequency). This variant has not been reported in the literature in individuals affected with MYH7-related conditions. ClinVar contains an entry for this variant (Variation ID: 2905508). Invitae Evidence Modeling of protein sequence and biophysical properties (such as structural, functional, and spatial information, amino acid conservation, physicochemical variation, residue mobility, and thermodynamic stability) indicates that this missense variant is expected to disrupt MYH7 protein function with a positive predictive value of 95%. In summary, the available evidence is currently insufficient to determine the role of this variant in disease. Therefore, it has been classified as a Variant of Uncertain Significance.

All of Us Research Program, National Institutes of Health
Classification: Uncertain significance for Cardiomyopathy. Last evaluated: 2024-02-22. Review status: criteria provided, single submitter. Criteria: ACMG Guidelines, 2015. Collection method: clinical testing. Allele origin: germline. Inheritance: Autosomal dominant inheritance. Observed: 2 variant alleles, 2 heterozygotes.
Comment: This missense variant replaces glycine with arginine at codon 1155 of the MYH7 protein. Computational prediction suggests that this variant may have deleterious impact on protein structure and function (internally defined REVEL score threshold >= 0.7, PMID: 27666373). To our knowledge, functional studies have not been reported for this variant. This variant has not been reported in individuals affected with MYH7-related disorders in the literature. This variant has not been identified in the general population by the Genome Aggregation Database (gnomAD). The available evidence is insufficient to determine the role of this variant in disease conclusively. Therefore, this variant is classified as a Variant of Uncertain Significance.

This study involves interpretation of variants in research participants for the purpose of population health screening. Participant phenotype was not available at the time of variant classification. Additional details can be found in publication PMID: 35346344, PMCID: PMC8962531

NM_000257.4(MYH7):c.3463G>A (p.Gly1155Arg)

Gene: MYH7 (myosin heavy chain 7; minus strand). Cytogenetic location: 14q11.2.
Variant type: single nucleotide variant.
Coding change: c.3463G>A on transcript NM_000257.4 (MANE Select); coding-DNA position 3463, G replaced by A.
Protein change: p.Gly1155Arg; replaces glycine 1155 with arginine.
Molecular consequence: missense variant.
Genome position (GRCh38, 1-based): chr14:23,420,108, C>T on the plus strand (G>A on the coding strand, the complement: MYH7 is on the minus strand). VCF-style: chr14-23420108-C-T. GRCh37 (hg19) VCF-style: chr14-23889317-C-T.
Other names: c.3463G>A, p.Gly1155Arg (NM_001407004.1); short protein forms G1155R.
Identifiers: ClinVar variation 2905508 (VCV002905508.5), dbSNP rs2502264875, ClinGen allele CA389043805.